The following is an entry in ClinVar:

ClinVar aggregate classification (germline): Pathogenic/Likely pathogenic. Review status: criteria provided, multiple submitters, no conflicts (2 of 4 stars). 2 submissions from 2 submitters: Pathogenic (1); Likely pathogenic (1). Last evaluated 2024-11-21.

Conditions:
Autosomal dominant polycystic kidney disease. Identifiers: Orphanet 730, MedGen C0085413, MONDO:0004691.
Polycystic kidney disease 2 (PKD2). Also called: POLYCYSTIC KIDNEY DISEASE, ADULT, TYPE II; Polycystic Kidney Disease 2, Autosomal Dominant; POLYCYSTIC KIDNEY DISEASE 2 WITH OR WITHOUT POLYCYSTIC LIVER DISEASE. Identifiers: MedGen C2751306, MONDO:0013131, OMIM 613095.

Submissions (2):

Labcorp Genetics (formerly Invitae), Labcorp
Classification: Likely pathogenic for Autosomal dominant polycystic kidney disease. Last evaluated: 2024-11-21. Review status: criteria provided, single submitter. Criteria: Invitae Variant Classification Sherloc (09022015). Collection method: clinical testing. Allele origin: germline.
Comment: This sequence change affects a donor splice site in intron 13 of the PKD2 gene. It is expected to disrupt RNA splicing. Variants that disrupt the donor or acceptor splice site typically lead to a loss of protein function (PMID: 16199547), and loss-of-function variants in PKD2 are known to be pathogenic (PMID: 17582161, 22863349). This variant is not present in population databases (gnomAD no frequency). Disruption of this splice site has been observed in individual(s) with polycystic kidney disease (PMID: 35778421). Algorithms developed to predict the effect of sequence changes on RNA splicing suggest that this variant may disrupt the consensus splice site. In summary, the currently available evidence indicates that the variant is pathogenic, but additional data are needed to prove that conclusively. Therefore, this variant has been classified as Likely Pathogenic.

Fulgent Genetics
Classification: Pathogenic for Polycystic kidney disease 2. Last evaluated: 2024-04-18. Review status: criteria provided, single submitter. Criteria: ACMG Guidelines, 2015. Collection method: clinical testing. Allele origin: germline.

Literature cited by the submitters: PubMed 16199547 (cited by Labcorp Genetics (formerly Invitae), Labcorp); PubMed 17582161 (cited by Labcorp Genetics (formerly Invitae), Labcorp); PubMed 22863349 (cited by Labcorp Genetics (formerly Invitae), Labcorp); PubMed 35778421 (cited by Labcorp Genetics (formerly Invitae), Labcorp).

NM_000297.4(PKD2):c.2522+1G>A

Gene: PKD2 (polycystin 2, transient receptor potential cation channel; plus strand). Cytogenetic location: 4q22.1.
Variant type: single nucleotide variant.
Coding change: c.2522+1G>A on transcript NM_000297.4 (MANE Select); the canonical splice donor site of the intron after coding-DNA position 2522, G replaced by A.
Molecular consequence: splice donor variant.
Genome position (GRCh38, 1-based): chr4:88,068,062, G>A. VCF-style: chr4-88068062-G-A. GRCh37 (hg19) VCF-style: chr4-88989214-G-A.
Identifiers: ClinVar variation 3591436 (VCV003591436.3).